The following is an entry in ClinVar:

NM_001379659.1(ZNF142):c.1124G>A (p.Arg375Gln)

Gene: ZNF142 (zinc finger protein 142; minus strand). Cytogenetic location: 2q35.
Variant type: single nucleotide variant.
Coding change: c.1124G>A on transcript NM_001379659.1 (MANE Select); coding-DNA position 1124, G replaced by A.
Protein change: p.Arg375Gln; replaces arginine 375 with glutamine.
Molecular consequence: missense variant.
Genome position (GRCh38, 1-based): chr2:218,649,384, C>T on the plus strand (G>A on the coding strand, the complement: ZNF142 is on the minus strand). VCF-style: chr2-218649384-C-T. GRCh37 (hg19) VCF-style: chr2-219514107-C-T.
Other names: c.524G>A, p.Arg175Gln (NM_001105537.5, NM_001366291.3, NM_001379662.1); c.35G>A, p.Arg12Gln (NM_001366287.3, NM_001366288.3, NM_001366289.3); c.1124G>A, p.Arg375Gln (NM_001366290.3, NM_001379660.1, NM_001379661.1); short protein forms R12Q, R175Q, R375Q.
Identifiers: ClinVar variation 1803573 (VCV001803573.3), dbSNP rs747218313, ClinGen allele CA2109419.

ClinVar aggregate classification (germline): Uncertain significance. Review status: criteria provided, multiple submitters, no conflicts (2 of 4 stars). 3 submissions from 3 submitters: Uncertain significance (3). Last evaluated 2025-08-20.

Conditions:
Inborn genetic diseases. Identifiers: MedGen C0950123, MeSH D030342.

Allele frequency attached by ClinVar (database versions not stated): gnomAD 0.00001; gnomAD exomes 0.00001; TOPMed 0.00002; ExAC 0.00004.
gnomAD v4.1: 21 of 1,613,828 alleles (0.0013%); highest among the groups gnomAD compares: South Asian, 0.011%; no homozygotes.

Submissions (3):

Ambry Genetics
Classification: Uncertain significance for Inborn genetic diseases. Last evaluated: 2025-08-20. Review status: criteria provided, single submitter. Criteria: Ambry Variant Classification Scheme 2023. Collection method: clinical testing. Allele origin: germline.

GeneDx
Classification: Uncertain significance. Last evaluated: 2022-06-07. Review status: criteria provided, single submitter. Criteria: GeneDx Variant Classification Process June 2021. Collection method: clinical testing. Allele origin: germline. Affected: yes.
Comment: In silico analysis supports that this missense variant does not alter protein structure/function; Has not been previously published as pathogenic or benign to our knowledge

Blueprint Genetics
Classification: Uncertain significance. Last evaluated: 2022-04-28. Review status: criteria provided, single submitter. Criteria: ACMG Guidelines, 2015. Collection method: clinical testing. Allele origin: germline.